The following is an entry in ClinVar:

NM_015665.6(AAAS):c.771del (p.Arg258fs)

Gene: AAAS (aladin WD repeat nucleoporin; minus strand). Cytogenetic location: 12q13.13.
Variant type: Deletion.
Coding change: c.771del on transcript NM_015665.6 (MANE Select); coding-DNA position 771, one base deleted (G; older notation c.771delG).
Protein change: p.Arg258fs; shifts the reading frame from arginine 258.
Molecular consequence: frameshift variant.
Genome position (GRCh38, 1-based): chr12:53,309,640, C deleted on the plus strand (G on the coding strand, the reverse complement: AAAS is on the minus strand); the first of 6 consecutive C bases (chr12:53,309,640-53,309,645); deleting any one gives the same sequence. VCF-style (leftmost placement, unchanged base first): chr12-53309639-GC-G. GRCh37 (hg19) VCF-style: chr12-53703423-GC-G.
Other names: c.672del, p.Arg225fs (NM_001173466.2); short protein forms R225fs, R258fs.
Identifiers: ClinVar variation 2735886 (VCV002735886.4), dbSNP rs1184877278, ClinGen allele CA479919586.

ClinVar aggregate classification (germline): Pathogenic. Review status: criteria provided, multiple submitters, no conflicts (2 of 4 stars). 2 submissions from 2 submitters: Pathogenic (2). Last evaluated 2024-03-29.

Conditions:
Glucocorticoid deficiency with achalasia (AAAS). Also called: ALACRIMA-ACHALASIA-ADRENAL INSUFFICIENCY NEUROLOGIC DISORDER; Achalasia-addisonianism-alacrimia syndrome; AAA syndrome; Allgrove syndrome; Addisonian achalasia syndrome; Achalasia-Addisonianism-Alacrima (Triple-A) Syndrome. Identifiers: Orphanet 869, MedGen C0271742, MONDO:0009279, OMIM 231550.

Submissions (2):

Fulgent Genetics
Classification: Pathogenic for Glucocorticoid deficiency with achalasia. Last evaluated: 2024-03-29. Review status: criteria provided, single submitter. Criteria: ACMG Guidelines, 2015. Collection method: clinical testing. Allele origin: germline.

Labcorp Genetics (formerly Invitae), Labcorp
Classification: Pathogenic. Last evaluated: 2023-12-02. Review status: criteria provided, single submitter. Criteria: Invitae Variant Classification Sherloc (09022015). Collection method: clinical testing. Allele origin: germline.
Comment: This sequence change creates a premature translational stop signal (p.Arg258Glyfs*33) in the AAAS gene. It is expected to result in an absent or disrupted protein product. Loss-of-function variants in AAAS are known to be pathogenic (PMID: 11159947). This variant is not present in population databases (gnomAD no frequency). This premature translational stop signal has been observed in individual(s) with AAAS-related conditions (PMID: 16789645, 26622478). For these reasons, this variant has been classified as Pathogenic.

Literature cited by the submitters: PubMed 11159947 (cited by Labcorp Genetics (formerly Invitae), Labcorp); PubMed 16789645 (cited by Labcorp Genetics (formerly Invitae), Labcorp); PubMed 26622478 (cited by Labcorp Genetics (formerly Invitae), Labcorp).